The following is an entry in ClinVar:

NM_007194.4(CHEK2):c.827T>G (p.Ile276Ser)

Gene: CHEK2 (checkpoint kinase 2; minus strand). Cytogenetic location: 22q12.1.
Variant type: single nucleotide variant.
Coding change: c.827T>G on transcript NM_007194.4 (MANE Select); coding-DNA position 827, T replaced by G.
Protein change: p.Ile276Ser; replaces isoleucine 276 with serine.
Molecular consequence: missense variant.
Genome position (GRCh38, 1-based): chr22:28,710,025, A>C on the plus strand (T>G on the coding strand, the complement: CHEK2 is on the minus strand). VCF-style: chr22-28710025-A-C. GRCh37 (hg19) VCF-style: chr22-29106013-A-C.
Other names: c.956T>G, p.Ile319Ser (NM_001005735.3); c.164T>G, p.Ile55Ser (NM_001257387.3); c.626T>G, p.Ile209Ser (NM_001349956.3); c.827T>G, p.Ile276Ser (NM_145862.3); short protein forms I276S, I209S, I55S, I319S.
Identifiers: ClinVar variation 240756 (VCV000240756.15), dbSNP rs878854925, ClinGen allele CA10583907.

ClinVar aggregate classification (germline): Uncertain significance. Review status: criteria provided, multiple submitters, no conflicts (2 of 4 stars). 2 submissions from 2 submitters: Uncertain significance (2). Last evaluated 2024-05-07.

Conditions:
Hereditary cancer-predisposing syndrome. Also called: Tumor predisposition; Neoplastic Syndromes, Hereditary; Hereditary Cancer Syndrome; Hereditary neoplastic syndrome. Identifiers: Orphanet 140162, MedGen C0027672, MeSH D009386, MONDO:0015356.
Familial cancer of breast. Also called: Hereditary breast cancer; BREAST CANCER, FAMILIAL; hereditary breast carcinoma. Identifiers: Orphanet 227535, MedGen C0346153, MONDO:0016419, OMIM 114480. Disease mechanism: loss of function.

Allele frequency attached by ClinVar (database versions not stated): TOPMed below 0.00001.

Submissions (2):

Ambry Genetics
Classification: Uncertain significance for Hereditary cancer-predisposing syndrome. Last evaluated: 2024-05-07. Review status: criteria provided, single submitter. Criteria: Ambry Variant Classification Scheme 2023. Collection method: clinical testing. Allele origin: germline.
Comment: The p.I276S variant (also known as c.827T>G), located in coding exon 6 of the CHEK2 gene, results from a T to G substitution at nucleotide position 827. The isoleucine at codon 276 is replaced by serine, an amino acid with dissimilar properties. This amino acid position is highly conserved in available vertebrate species. In addition, this alteration is predicted to be deleterious by in silico analysis. Based on the available evidence, the clinical significance of this variant remains unclear.

Labcorp Genetics (formerly Invitae), Labcorp
Classification: Uncertain significance for Familial cancer of breast. Last evaluated: 2023-09-09. Review status: criteria provided, single submitter. Criteria: Invitae Variant Classification Sherloc (09022015). Collection method: clinical testing. Allele origin: germline.
Comment: In summary, the available evidence is currently insufficient to determine the role of this variant in disease. Therefore, it has been classified as a Variant of Uncertain Significance. An algorithm developed to predict the effect of missense changes on protein structure and function (PolyPhen-2) suggests that this variant is likely to be disruptive. ClinVar contains an entry for this variant (Variation ID: 240756). This variant has not been reported in the literature in individuals affected with CHEK2-related conditions. This variant is not present in population databases (gnomAD no frequency). This sequence change replaces isoleucine, which is neutral and non-polar, with serine, which is neutral and polar, at codon 276 of the CHEK2 protein (p.Ile276Ser).